The following is an entry in ClinVar:

ClinVar aggregate classification (germline): Likely benign; other. Review status: criteria provided, multiple submitters, no conflicts (2 of 4 stars). 2 submissions from 2 submitters: Likely benign (1). Last evaluated 2018-08-06.

Allele frequency attached by ClinVar (database versions not stated): gnomAD 0.00056 and 0.00027; 1000 Genomes Project 30x 0.00141; 1000 Genomes Project 0.00180; TOPMed 0.00039; gnomAD exomes 0.00080 and 0.00129; ESP Exome Variant Server 0.00038; ExAC 0.00135.
gnomAD v4.1: 1,259 of 1,610,966 alleles (0.078%); highest among the groups gnomAD compares: South Asian, 0.78%; 33 homozygotes.

Submissions (2):

Eurofins Ntd Llc (ga)
Classification: other. Last evaluated: 2018-08-06. Review status: criteria provided, single submitter. Criteria: EGL ClinVar v180209 classification definitions. Collection method: clinical testing. Allele origin: germline.

GeneDx
Classification: Likely benign. Last evaluated: 2018-04-12. Review status: criteria provided, single submitter. Criteria: GeneDx Variant Classification (06012015). Collection method: clinical testing. Allele origin: germline. Affected: yes.
Comment: This variant is considered likely benign or benign based on one or more of the following criteria: it is a conservative change, it occurs at a poorly conserved position in the protein, it is predicted to be benign by multiple in silico algorithms, and/or has population frequency not consistent with disease.

NM_000106.5(CYP2D6):c.971A>C (p.His324Pro)

Gene: CYP2D6 (cytochrome P450 family 2 subfamily D member 6 (gene/pseudogene); minus strand). Cytogenetic location: 22q13.2.
Variant type: single nucleotide variant.
Coding change: c.971A>C on transcript NM_000106.5; coding-DNA position 971, A replaced by C.
Protein change: p.His324Pro; replaces histidine 324 with proline.
Molecular consequence: missense variant (on NM_000106.6).
Genome position (GRCh38, 1-based): chr22:42,127,856, T>G on the plus strand (A>C on the coding strand, the complement: CYP2D6 is on the minus strand). VCF-style: chr22-42127856-T-G. GRCh37 (hg19) VCF-style: chr22-42523858-T-G.
Other names: CYP2D6E; 2935A>C; c.971A>C, p.His324Pro (NM_000106.6, LRG_303t1); c.818A>C, p.His273Pro (NM_001025161.3); short protein forms H324P, H273P.
Identifiers: ClinVar variation 39385 (VCV000039385.7), dbSNP rs5030867, ClinGen allele CA10264758.
Genomic context (GRCh38, chr22:42,127,856, plus strand): 5'-TACCCTTCCTCCCTCGGCCCCTGCACTGTTTCCCAGATGGGCTCACGCTGCACATCCGGA[T>G]GTAGGATCATGAGCAGGAGGCCCCAGGCCAGCGTGGTCGAGGTGGTCACCATCCCGGCAG-3'
Protein context (NP_000097.3, residues 314-334): LAWGLLLMIL[His324Pro]PDVQRRVQQE